The following is an entry in ClinVar:

ClinVar aggregate classification (germline): Uncertain significance (1 of 4 stars; one submission).

Conditions:
Autosomal dominant polycystic kidney disease. Identifiers: Orphanet 730, MedGen C0085413, MONDO:0004691.

Submission:

Labcorp Genetics (formerly Invitae), Labcorp
Classification: Uncertain significance for Autosomal dominant polycystic kidney disease. Last evaluated: 2023-04-20. Review status: criteria provided, single submitter. Criteria: Invitae Variant Classification Sherloc (09022015). Collection method: clinical testing. Allele origin: germline.
Comment: In summary, the available evidence is currently insufficient to determine the role of this variant in disease. Therefore, it has been classified as a Variant of Uncertain Significance. Advanced modeling of protein sequence and biophysical properties (such as structural, functional, and spatial information, amino acid conservation, physicochemical variation, residue mobility, and thermodynamic stability) performed at Invitae indicates that this missense variant is expected to disrupt PKD2 protein function. This sequence change replaces glycine, which is neutral and non-polar, with aspartic acid, which is acidic and polar, at codon 749 of the PKD2 protein (p.Gly749Asp). This variant is not present in population databases (gnomAD no frequency). This variant has not been reported in the literature in individuals affected with PKD2-related conditions.

NM_000297.4(PKD2):c.2246G>A (p.Gly749Asp)

Gene: PKD2 (polycystin 2, transient receptor potential cation channel; plus strand). Cytogenetic location: 4q22.1.
Variant type: single nucleotide variant.
Coding change: c.2246G>A on transcript NM_000297.4 (MANE Select); coding-DNA position 2246, G replaced by A.
Protein change: p.Gly749Asp; replaces glycine 749 with aspartic acid.
Molecular consequence: missense variant. On other transcripts: non-coding transcript variant (1).
Genome position (GRCh38, 1-based): chr4:88,065,767, G>A. VCF-style: chr4-88065767-G-A. GRCh37 (hg19) VCF-style: chr4-88986919-G-A.
Other names: short protein forms G749D.
Identifiers: ClinVar variation 2990303 (VCV002990303.3), dbSNP rs2475980413, ClinGen allele CA357624855.